The following is an entry in ClinVar:

ClinVar aggregate classification (germline): Likely pathogenic (1 of 4 stars; one submission).

Conditions:
Neurofibromatosis, type 1 (NF1). Also called: VON RECKLINGHAUSEN DISEASE; Peripheral type neurofibromatosis; NEUROFIBROMATOSIS, TYPE I, SOMATIC; Neurofibromatosis, type I. Identifiers: Orphanet 636, MedGen C0027831, MONDO:0018975, OMIM 162200. Disease mechanism: loss of function.

Submission:

Labcorp Genetics (formerly Invitae), Labcorp
Classification: Likely pathogenic for Neurofibromatosis, type 1. Last evaluated: 2025-10-13. Review status: criteria provided, single submitter. Criteria: Invitae Variant Classification Sherloc (09022015). Collection method: clinical testing. Allele origin: germline.
Comment: This sequence change affects a splice site in intron 16 of the NF1 gene. It is expected to disrupt RNA splicing. Variants that disrupt the donor or acceptor splice site typically lead to a loss of protein function (PMID: 16199547), and loss-of-function variants in NF1 are known to be pathogenic (PMID: 10712197, 23913538). This variant is not present in population databases (gnomAD no frequency). Disruption of this splice site has been observed in individual(s) with clinical features of neurofibromatosis type 1 (internal data). Algorithms developed to predict the effect of sequence changes on RNA splicing suggest that this variant may disrupt the consensus splice site. In summary, the currently available evidence indicates that the variant is pathogenic, but additional data are needed to prove that conclusively. Therefore, this variant has been classified as Likely Pathogenic.

Literature cited by the submitters: PubMed 16199547; PubMed 10712197; PubMed 23913538.

NM_001042492.3(NF1):c.1845+1_1845+2del

Gene: NF1 (neurofibromin 1; plus strand). Cytogenetic location: 17q11.2.
Variant type: Deletion.
Coding change: c.1845+1_1845+2del on transcript NM_001042492.3 (MANE Select); the canonical splice donor site of the intron after coding-DNA position 1845, 2 bases deleted (GT; older notation c.1845+1_1845+2delGT).
Molecular consequence: splice donor variant.
Genome position (GRCh38, 1-based): chr17:31,223,568-31,223,569, GT deleted. VCF-style (leftmost placement, unchanged base first): chr17-31223567-GGT-G. GRCh37 (hg19) VCF-style: chr17-29550585-GGT-G.
Other names: c.1845+1_1845+2del (NM_000267.4).
Identifiers: ClinVar variation 4729109 (VCV004729109.1).